The following is an entry in ClinVar:

ClinVar aggregate classification (germline): Uncertain significance. Review status: criteria provided, multiple submitters, no conflicts (2 of 4 stars). 5 submissions from 4 submitters: Uncertain significance (5). Last evaluated 2025-11-19.

Conditions:
Pontocerebellar hypoplasia type 9. Identifiers: Orphanet 369920, MedGen C4014354, MONDO:0014351, OMIM 615809.
Hereditary spastic paraplegia 63. Also called: Spastic paraplegia 63, autosomal recessive. Identifiers: Orphanet 401805, MedGen C3810295, MONDO:0014305, OMIM 615686.
Inborn genetic diseases. Identifiers: MedGen C0950123, MeSH D030342.

Allele frequency attached by ClinVar (database versions not stated): TOPMed 0.00002; gnomAD 0.00003; ESP Exome Variant Server 0.00008.
gnomAD v4.1: 8 of 1,591,382 alleles (0.0005%); highest among the groups gnomAD compares: Admixed American, 0.0018%; no homozygotes.

Submissions (5):

Ambry Genetics
Classification: Uncertain significance for Inborn genetic diseases. Last evaluated: 2025-11-19. Review status: criteria provided, single submitter. Criteria: Ambry Variant Classification Scheme 2023. Collection method: clinical testing. Allele origin: germline.

Genome-Nilou Lab
Classification: Uncertain significance for Hereditary spastic paraplegia 63. Last evaluated: 2023-04-11. Review status: criteria provided, single submitter. Criteria: ACMG Guidelines, 2015. Collection method: clinical testing. Allele origin: germline. Affected: no.

Genome-Nilou Lab
Classification: Uncertain significance for Pontocerebellar hypoplasia type 9. Last evaluated: 2023-04-11. Review status: criteria provided, single submitter. Criteria: ACMG Guidelines, 2015. Collection method: clinical testing. Allele origin: germline. Affected: no.

Labcorp Genetics (formerly Invitae), Labcorp
Classification: Uncertain significance for Pontocerebellar hypoplasia type 9; Hereditary spastic paraplegia 63. Last evaluated: 2022-03-29. Review status: criteria provided, single submitter. Criteria: Invitae Variant Classification Sherloc (09022015). Collection method: clinical testing. Allele origin: germline.
Comment: In summary, the available evidence is currently insufficient to determine the role of this variant in disease. Therefore, it has been classified as a Variant of Uncertain Significance. Algorithms developed to predict the effect of sequence changes on RNA splicing suggest that this variant may create or strengthen a splice site. Algorithms developed to predict the effect of missense changes on protein structure and function are either unavailable or do not agree on the potential impact of this missense change (SIFT: "Deleterious"; PolyPhen-2: "Probably Damaging"; Align-GVGD: "Class C0"). ClinVar contains an entry for this variant (Variation ID: 393168). This variant has not been reported in the literature in individuals affected with AMPD2-related conditions. This variant is present in population databases (rs374652371, gnomAD 0.003%). This sequence change replaces histidine, which is basic and polar, with tyrosine, which is neutral and polar, at codon 561 of the AMPD2 protein (p.His561Tyr).

GeneDx
Classification: Uncertain significance. Last evaluated: 2017-02-01. Review status: criteria provided, single submitter. Criteria: GeneDx Variant Classification (06012015). Collection method: clinical testing. Allele origin: germline. Affected: yes.
Comment: The H561Y variant in the AMPD2 gene has not been reported previously as a pathogenic variant, nor as a benign variant, to our knowledge. The H561Y variant was not observed in approximately 6500 individuals of European and African American ancestry in the NHLBI Exome Sequencing Project, indicating it is not a common benign variant in these populations. The H561Y variant is a non-conservative amino acid substitution, which is likely to impact secondary protein structure as these residues differ in polarity, charge, size and/or other properties. This substitution also occurs at a position that is conserved across species, and in silico analysis predicts this variant is probably damaging to the protein structure/function. We interpret H561Y as a variant of uncertain significance.

NM_001368809.2(AMPD2):c.1519C>T (p.His507Tyr)

Genes: AMPD2 (adenosine monophosphate deaminase 2; plus strand), LOC126805822 (BRD4-independent group 4 enhancer GRCh37_chr1:110170748-110171947; plus strand). Cytogenetic location: 1p13.3.
Variant type: single nucleotide variant.
Coding change: c.1519C>T on transcript NM_001368809.2 (MANE Select); coding-DNA position 1519, C replaced by T.
Protein change: p.His507Tyr; replaces histidine 507 with tyrosine.
Molecular consequence: missense variant.
Genome position (GRCh38, 1-based): chr1:109,628,754, C>T. VCF-style: chr1-109628754-C-T. GRCh37 (hg19) VCF-style: chr1-110171376-C-T.
Other names: c.1681C>T (NM_004037.6, NM_001257360.1); c.1327C>T, p.His443Tyr (NM_001257361.2); c.1456C>T, p.His486Tyr (NM_001308170.1); c.1519C>T, p.His507Tyr (NM_004037.9); c.1438C>T, p.His480Tyr (NM_139156.4); short protein forms H443Y, H480Y, H486Y, H507Y.
Identifiers: ClinVar variation 393168 (VCV000393168.9), dbSNP rs374652371, ClinGen allele CA993125.
Genomic context (GRCh38, chr1:109,628,754, plus strand): 5'-CTCTCCATTTACGGGCGCTCGAGGGATGAGTGGGACAAGCTGGCGCGCTGGGCCGTCATG[C>T]ACCGCGTGCACTCCCCCAACGTGCGCTGGCTGGTGCAGGTGCCCCGCCTCTTGTGAGTGT-3'
Protein context (NP_001355738.1, residues 497-517): WDKLARWAVM[His507Tyr]RVHSPNVRWL